The following is an entry in ClinVar:

ClinVar aggregate classification (germline): Uncertain significance (1 of 4 stars; one submission).

Submission:

Labcorp Genetics (formerly Invitae), Labcorp
Classification: Uncertain significance. Last evaluated: 2024-10-03. Review status: criteria provided, single submitter. Criteria: Invitae Variant Classification Sherloc (09022015). Collection method: clinical testing. Allele origin: germline.
Comment: This sequence change affects a donor splice site in intron 4 of the MICAL1 gene. It is expected to disrupt RNA splicing. Variants that disrupt the donor or acceptor splice site typically lead to a loss of protein function (PMID: 16199547), however the current clinical and genetic evidence is not sufficient to establish whether loss-of-function variants in MICAL1 cause disease. This variant is not present in population databases (gnomAD no frequency). This variant has not been reported in the literature in individuals affected with MICAL1-related conditions. Algorithms developed to predict the effect of sequence changes on RNA splicing suggest that this variant may disrupt the consensus splice site. In summary, the available evidence is currently insufficient to determine the role of this variant in disease. Therefore, it has been classified as a Variant of Uncertain Significance.

Literature cited by the submitters: PubMed 16199547.

NM_022765.4(MICAL1):c.571+1G>C

Gene: MICAL1 (microtubule associated monooxygenase, calponin and LIM domain containing 1; minus strand). Cytogenetic location: 6q21.
Variant type: single nucleotide variant.
Coding change: c.571+1G>C on transcript NM_022765.4 (MANE Select); the canonical splice donor site of the intron after coding-DNA position 571, G replaced by C.
Molecular consequence: splice donor variant.
Genome position (GRCh38, 1-based): chr6:109,453,262, C>G on the plus strand (G>C on the coding strand, the complement: MICAL1 is on the minus strand). VCF-style: chr6-109453262-C-G. GRCh37 (hg19) VCF-style: chr6-109774465-C-G.
Other names: c.628+1G>C (NM_001286613.2); c.571+1G>C (NM_001159291.2).
Identifiers: ClinVar variation 3670355 (VCV003670355.2).